The following is an entry in ClinVar:

ClinVar aggregate classification (germline): Uncertain significance. Review status: criteria provided, single submitter (1 of 4 stars). 2 submissions from 2 submitters: Uncertain significance (1). 1 of the submissions does not count toward it. Last evaluated 2025-02-09.

Conditions:
VPS13B-related disorder. Also called: VPS13B-related condition.
Cohen syndrome (COH1). Also called: PEPPER SYNDROME; Cutis verticis gyrata, retinitis pigmentosa, and sensorineural deafness. Identifiers: Orphanet 193, MedGen C0265223, MONDO:0008999, OMIM 216550.

Submissions (2):

PreventionGenetics, part of Exact Sciences
Classification: Uncertain significance for VPS13B-related condition. Last evaluated: 2025-02-09. Review status: criteria provided, single submitter. Criteria: ACMG Guidelines, 2015. Collection method: clinical testing. Allele origin: germline.
Comment: The VPS13B c.2871C>A variant is predicted to result in the amino acid substitution p.Asp957Glu. To our knowledge, this variant has not been reported in the literature or in a large population database (gnomAD), indicating this variant is rare. At this time, the clinical significance of this variant is uncertain due to the absence of conclusive functional and genetic evidence.

Natera, Inc.
Classification: Uncertain significance for Cohen syndrome. Last evaluated: 2025-04-10. Review status: no assertion criteria provided. Collection method: clinical testing. Allele origin: germline. Not counted in ClinVar's aggregate classification.

NM_152564.5(VPS13B):c.2871C>A (p.Asp957Glu)

Gene: VPS13B (vacuolar protein sorting 13 homolog B; plus strand). Cytogenetic location: 8q22.2.
Variant type: single nucleotide variant.
Coding change: c.2871C>A on transcript NM_152564.5 (MANE Select); coding-DNA position 2871, C replaced by A.
Protein change: p.Asp957Glu; replaces aspartic acid 957 with glutamic acid.
Molecular consequence: missense variant.
Genome position (GRCh38, 1-based): chr8:99,384,254, C>A. VCF-style: chr8-99384254-C-A. GRCh37 (hg19) VCF-style: chr8-100396482-C-A.
Other names: c.2871C>A, p.Asp957Glu (NM_017890.5); short protein forms D957E.
Identifiers: ClinVar variation 4063145 (VCV004063145.2).